The following is an entry in ClinVar:

ClinVar aggregate classification (germline): Uncertain significance. Review status: criteria provided, multiple submitters, no conflicts (2 of 4 stars). 4 submissions from 4 submitters: Uncertain significance (4). Last evaluated 2024-08-21.

Conditions:
Cardiovascular phenotype. Identifiers: MedGen CN230736.
Alstrom syndrome (ALMS). Identifiers: Orphanet 64, MedGen C0268425, MONDO:0008763, OMIM 203800.

Allele frequency attached by ClinVar (database versions not stated): ExAC 0.00001; gnomAD exomes 0.00001 and 0.00002; TOPMed 0.00006; gnomAD 0.00011.
gnomAD v4.1: 23 of 1,613,690 alleles (0.0014%); highest among the groups gnomAD compares: Admixed American, 0.035%; no homozygotes.

Submissions (4):

GeneDx
Classification: Uncertain significance. Last evaluated: 2024-08-21. Review status: criteria provided, single submitter. Criteria: GeneDx Variant Classification Process June 2021. Collection method: clinical testing. Allele origin: germline. Affected: yes.
Comment: Not observed at significant frequency in large population cohorts (gnomAD); In silico analysis supports that this missense variant has a deleterious effect on protein structure/function; Has not been previously published as pathogenic or benign to our knowledge

Labcorp Genetics (formerly Invitae), Labcorp
Classification: Uncertain significance for Alstrom syndrome. Last evaluated: 2022-09-12. Review status: criteria provided, single submitter. Criteria: Invitae Variant Classification Sherloc (09022015). Collection method: clinical testing. Allele origin: germline.
Comment: This sequence change replaces proline, which is neutral and non-polar, with serine, which is neutral and polar, at codon 2128 of the ALMS1 protein (p.Pro2128Ser). This variant is present in population databases (rs771800459, gnomAD 0.01%). This variant has not been reported in the literature in individuals affected with ALMS1-related conditions. ClinVar contains an entry for this variant (Variation ID: 569384). In summary, the available evidence is currently insufficient to determine the role of this variant in disease. Therefore, it has been classified as a Variant of Uncertain Significance.

Ambry Genetics
Classification: Uncertain significance for Cardiovascular phenotype. Last evaluated: 2020-03-31. Review status: criteria provided, single submitter. Criteria: Ambry Variant Classification Scheme 2023. Collection method: clinical testing. Allele origin: germline.
Comment: The p.P2128S variant (also known as c.6382C>T), located in coding exon 8 of the ALMS1 gene, results from a C to T substitution at nucleotide position 6382. The proline at codon 2128 is replaced by serine, an amino acid with similar properties. This amino acid position is well conserved in available vertebrate species; however, serine is the reference amino acid in other vertebrate species. In addition, this alteration is predicted to be tolerated by in silico analysis. Since supporting evidence is limited at this time, the clinical significance of this alteration remains unclear.

Women's Health and Genetics/Laboratory Corporation of America, LabCorp
Classification: Uncertain significance. Last evaluated: 2018-11-19. Review status: criteria provided, single submitter. Criteria: LabCorp Variant Classification Summary - May 2015. Collection method: clinical testing. Allele origin: germline.
Comment: Variant summary: ALMS1 c.6376C>T (p.Pro2126Ser, alternative name c.6382C>T) results in a non-conservative amino acid change in the encoded protein sequence. Three of five in-silico tools predict a damaging effect of the variant on protein function. The variant allele was found at a frequency of 2.2e-05 in 276040 control chromosomes. The available data on variant occurrences in the general population are insufficient to allow any conclusion about variant significance. To our knowledge, no occurrence of c.6376C>T in individuals affected with Cardiomyopathy and no experimental evidence demonstrating its impact on protein function have been reported. Co-occurrences with other pathogenic variant(s) have been reported (DSP c.5940dupC, p.Y1981fs*2), providing supporting evidence for a benign role. One clinical diagnostic laboratory has submitted clinical-significance assessments for this variant to ClinVar after 2014 without evidence for independent evaluation. One laboratory classified the variant as uncertain significance. Based on the evidence outlined above, the variant was classified as uncertain significance.

NM_001378454.1(ALMS1):c.6379C>T (p.Pro2127Ser)

Gene: ALMS1 (ALMS1 centrosome and basal body associated protein; plus strand). Cytogenetic location: 2p13.1.
Variant type: single nucleotide variant.
Coding change: c.6379C>T on transcript NM_001378454.1 (MANE Select); coding-DNA position 6379, C replaced by T.
Protein change: p.Pro2127Ser; replaces proline 2127 with serine.
Molecular consequence: missense variant.
Genome position (GRCh38, 1-based): chr2:73,452,906, C>T. VCF-style: chr2-73452906-C-T. GRCh37 (hg19) VCF-style: chr2-73680033-C-T.
Other names: c.6382C>T, p.Pro2128Ser (NM_015120.4); short protein forms P2128S, P2127S.
Identifiers: ClinVar variation 569384 (VCV000569384.9), dbSNP rs771800459, ClinGen allele CA1714059.